The following is an entry in ClinVar:

ClinVar aggregate classification (germline): Uncertain significance (1 of 4 stars; one submission).

Submission:

GeneDx
Classification: Uncertain significance. Last evaluated: 2019-07-25. Review status: criteria provided, single submitter. Criteria: GeneDx Variant Classification Process June 2021. Collection method: clinical testing. Allele origin: germline. Affected: yes.
Comment: Not observed in large population cohorts (Lek et al., 2016); In silico analysis, which includes protein predictors and evolutionary conservation, supports that this variant does not alter protein structure/function; Has not been previously published as pathogenic or benign to our knowledge

NM_001371928.1(AHDC1):c.139C>T (p.Pro47Ser)

Gene: AHDC1 (AT-hook DNA binding motif containing 1; minus strand). Cytogenetic location: 1p36.11.
Variant type: single nucleotide variant.
Coding change: c.139C>T on transcript NM_001371928.1 (MANE Select); coding-DNA position 139, C replaced by T.
Protein change: p.Pro47Ser; replaces proline 47 with serine.
Molecular consequence: missense variant.
Genome position (GRCh38, 1-based): chr1:27,551,977, G>A on the plus strand (C>T on the coding strand, the complement: AHDC1 is on the minus strand). VCF-style: chr1-27551977-G-A. GRCh37 (hg19) VCF-style: chr1-27878488-G-A.
Other names: c.139C>T, p.Pro47Ser (NM_001029882.3); short protein forms P47S.
Identifiers: ClinVar variation 1306420 (VCV001306420.2), dbSNP rs756730820, ClinGen allele CA716215.
Genomic context (GRCh38, chr1:27,551,977, plus strand): 5'-GGCGTGGGGGTGGGCGTGGGTTCTCGGAGAAGGCGTGGGTGGAGAAGGCCTTGTCAGGTG[G>A]GCTGGCAGGGGGCCGGGTGGGAAGCAGGGGCCGGGGGGTGGGGGGGCCGCCGGGGTAGTA-3'
Protein context (NP_001358857.1, residues 37-57): PLLPTRPPAS[Pro47Ser]PDKAFSTHAF